The following is an entry in ClinVar:

ClinVar aggregate classification (germline): Uncertain significance. Review status: criteria provided, multiple submitters, no conflicts (2 of 4 stars). 2 submissions from 2 submitters: Uncertain significance (2). Last evaluated 2024-10-06.

Conditions:
Inborn genetic diseases. Identifiers: MedGen C0950123, MeSH D030342.

Allele frequency attached by ClinVar (database versions not stated): gnomAD exomes 0.00003; TOPMed 0.00003; ExAC 0.00004; gnomAD 0.00005; 1000 Genomes Project 30x 0.00016; 1000 Genomes Project 0.00020.
gnomAD v4.1: 47 of 1,614,128 alleles (0.0029%); highest among the groups gnomAD compares: African/African-American, 0.008%; no homozygotes.

Submissions (2):

Ambry Genetics
Classification: Uncertain significance for Inborn genetic diseases. Last evaluated: 2024-10-06. Review status: criteria provided, single submitter. Criteria: Ambry Variant Classification Scheme 2023. Collection method: clinical testing. Allele origin: germline.

Labcorp Genetics (formerly Invitae), Labcorp
Classification: Uncertain significance. Last evaluated: 2024-06-08. Review status: criteria provided, single submitter. Criteria: Invitae Variant Classification Sherloc (09022015). Collection method: clinical testing. Allele origin: germline.
Comment: This sequence change replaces arginine, which is basic and polar, with cysteine, which is neutral and slightly polar, at codon 108 of the DFNA5 protein (p.Arg108Cys). This variant is present in population databases (rs201170133, gnomAD 0.01%). This variant has not been reported in the literature in individuals affected with DFNA5-related conditions. Advanced modeling of protein sequence and biophysical properties (such as structural, functional, and spatial information, amino acid conservation, physicochemical variation, residue mobility, and thermodynamic stability) performed at Invitae indicates that this missense variant is not expected to disrupt DFNA5 protein function with a negative predictive value of 80%. In summary, the available evidence is currently insufficient to determine the role of this variant in disease. Therefore, it has been classified as a Variant of Uncertain Significance.

NM_001127453.2(GSDME):c.322C>T (p.Arg108Cys)

Gene: GSDME (gasdermin E; minus strand). Cytogenetic location: 7p15.3.
Variant type: single nucleotide variant.
Coding change: c.322C>T on transcript NM_001127453.2 (MANE Select); coding-DNA position 322, C replaced by T.
Protein change: p.Arg108Cys; replaces arginine 108 with cysteine.
Molecular consequence: missense variant. On other transcripts: 5 prime UTR variant (1).
Genome position (GRCh38, 1-based): chr7:24,744,644, G>A on the plus strand (C>T on the coding strand, the complement: GSDME is on the minus strand). VCF-style: chr7-24744644-G-A. GRCh37 (hg19) VCF-style: chr7-24784263-G-A.
Other names: c.-171C>T (NM_001127454.2); c.322C>T, p.Arg108Cys (NM_004403.3); short protein forms R108C.
Identifiers: ClinVar variation 3102835 (VCV003102835.4), dbSNP rs201170133, ClinGen allele CA4191773.